The following is an entry in ClinVar:

NM_001386140.1(MTTP):c.672del (p.Asp224fs)

Gene: MTTP (microsomal triglyceride transfer protein; plus strand). Cytogenetic location: 4q23.
Variant type: Deletion.
Coding change: c.672del on transcript NM_001386140.1 (MANE Select); coding-DNA position 672, one base deleted (C; older notation c.672delC).
Protein change: p.Asp224fs; shifts the reading frame from aspartic acid 224.
Molecular consequence: frameshift variant.
Genome position (GRCh38, 1-based): chr4:99,591,704, C deleted. VCF-style (leftmost placement, unchanged base first): chr4-99591703-AC-A. GRCh37 (hg19) VCF-style: chr4-100512860-AC-A.
Other names: c.672del (NM_000253.3); c.672del, p.Asp224fs (NM_000253.4); c.423del, p.Asp141fs (NM_001300785.2); short protein forms D224fs, D141fs.
Identifiers: ClinVar variation 1898960 (VCV001898960.6), dbSNP rs1369425792, ClinGen allele CA800751524.

ClinVar aggregate classification (germline): Pathogenic/Likely pathogenic. Review status: criteria provided, multiple submitters, no conflicts (2 of 4 stars). 2 submissions from 2 submitters: Pathogenic (1); Likely pathogenic (1). Last evaluated 2024-03-06.

Conditions:
Abetalipoproteinaemia (ABL). Also called: Apolipoprotein B deficiency; Congenital betalipoprotein deficiency syndrome; MTP DEFICIENCY; Abetalipoproteinemia; Abetalipoproteinemia neuropathy. Identifiers: Orphanet 14, MedGen C0000744, MONDO:0008692, OMIM 200100, HP:0008181.

Allele frequency attached by ClinVar (database versions not stated): gnomAD 0.00001; TOPMed 0.00001.

Submissions (2):

Fulgent Genetics
Classification: Likely pathogenic for Abetalipoproteinaemia. Last evaluated: 2024-03-06. Review status: criteria provided, single submitter. Criteria: ACMG Guidelines, 2015. Collection method: clinical testing. Allele origin: germline.

Labcorp Genetics (formerly Invitae), Labcorp
Classification: Pathogenic. Last evaluated: 2023-12-04. Review status: criteria provided, single submitter. Criteria: Invitae Variant Classification Sherloc (09022015). Collection method: clinical testing. Allele origin: germline.
Comment: This sequence change creates a premature translational stop signal (p.Asp224Glufs*5) in the MTTP gene. It is expected to result in an absent or disrupted protein product. Loss-of-function variants in MTTP are known to be pathogenic (PMID: 8533758, 9671739). This variant is not present in population databases (gnomAD no frequency). This variant has not been reported in the literature in individuals affected with MTTP-related conditions. ClinVar contains an entry for this variant (Variation ID: 1898960). For these reasons, this variant has been classified as Pathogenic.

Literature cited by the submitters: PubMed 8533758 (cited by Labcorp Genetics (formerly Invitae), Labcorp); PubMed 9671739 (cited by Labcorp Genetics (formerly Invitae), Labcorp).